The following is an entry in ClinVar:

ClinVar aggregate classification (germline): Uncertain significance. Review status: criteria provided, multiple submitters, no conflicts (2 of 4 stars). 3 submissions from 3 submitters: Uncertain significance (3). Last evaluated 2025-09-23.

Conditions:
Primary dilated cardiomyopathy (DCM). Also called: Dilated Cardiomyopathy. Identifiers: Orphanet 217604, MedGen C0007193, MeSH D002311, MONDO:0005021, HP:0001644. Inheritance: Various modes of inheritance.
Cardiovascular phenotype. Identifiers: MedGen CN230736.

Allele frequency attached by ClinVar (database versions not stated): gnomAD exomes below 0.00001 and 0.00002; ExAC 0.00002; gnomAD 0.00003 and 0.00004; TOPMed 0.00009.
gnomAD v4.1: 10 of 1,613,934 alleles (0.00062%); highest among the groups gnomAD compares: African/African-American, 0.013%; no homozygotes.

Submissions (3):

Labcorp Genetics (formerly Invitae), Labcorp
Classification: Uncertain significance for Primary dilated cardiomyopathy. Last evaluated: 2025-09-23. Review status: criteria provided, single submitter. Criteria: Invitae Variant Classification Sherloc (09022015). Collection method: clinical testing. Allele origin: germline.
Comment: This sequence change replaces threonine, which is neutral and polar, with isoleucine, which is neutral and non-polar, at codon 334 of the TXNRD2 protein (p.Thr334Ile). This variant is present in population databases (rs780014083, gnomAD 0.03%). This variant has not been reported in the literature in individuals affected with TXNRD2-related conditions. ClinVar contains an entry for this variant (Variation ID: 1326731). Invitae Evidence Modeling of protein sequence and biophysical properties (such as structural, functional, and spatial information, amino acid conservation, physicochemical variation, residue mobility, and thermodynamic stability) indicates that this missense variant is not expected to disrupt TXNRD2 protein function with a negative predictive value of 80%. In summary, the available evidence is currently insufficient to determine the role of this variant in disease. Therefore, it has been classified as a Variant of Uncertain Significance.

Ambry Genetics
Classification: Uncertain significance for Cardiovascular phenotype. Last evaluated: 2025-03-09. Review status: criteria provided, single submitter. Criteria: Ambry Variant Classification Scheme 2023. Collection method: clinical testing. Allele origin: germline.
Comment: The p.T334I variant (also known as c.1001C>T), located in coding exon 12 of the TXNRD2 gene, results from a C to T substitution at nucleotide position 1001. The threonine at codon 334 is replaced by isoleucine, an amino acid with similar properties. This amino acid position is not well conserved in available vertebrate species, and isoleucine is the reference amino acid in other vertebrate species. In addition, this alteration is predicted to be tolerated by in silico analysis. Since supporting evidence is limited at this time, the clinical significance of this alteration remains unclear.

GeneDx
Classification: Uncertain significance. Last evaluated: 2024-04-25. Review status: criteria provided, single submitter. Criteria: GeneDx Variant Classification Process June 2021. Collection method: clinical testing. Allele origin: germline. Affected: yes.
Comment: Has not been previously published as pathogenic or benign to our knowledge; Not observed at significant frequency in large population cohorts (gnomAD); In silico analysis indicates that this missense variant does not alter protein structure/function

NM_006440.5(TXNRD2):c.1001C>T (p.Thr334Ile)

Gene: TXNRD2 (thioredoxin reductase 2; minus strand). Cytogenetic location: 22q11.21.
Variant type: single nucleotide variant.
Coding change: c.1001C>T on transcript NM_006440.5 (MANE Select); coding-DNA position 1001, C replaced by T.
Protein change: p.Thr334Ile; replaces threonine 334 with isoleucine.
Molecular consequence: missense variant. On other transcripts: non-coding transcript variant (1).
Genome position (GRCh38, 1-based): chr22:19,883,410, G>A on the plus strand (C>T on the coding strand, the complement: TXNRD2 is on the minus strand). VCF-style: chr22-19883410-G-A. GRCh37 (hg19) VCF-style: chr22-19870933-G-A.
Other names: c.998C>T, p.Thr333Ile (NM_001352300.2); c.911C>T, p.Thr304Ile (NM_001352301.2); c.713C>T, p.Thr238Ile (NM_001352302.2); short protein forms T238I, T304I, T333I, T334I.
Identifiers: ClinVar variation 1326731 (VCV001326731.10), dbSNP rs780014083, ClinGen allele CA10103868.